The following is an entry in ClinVar:

NM_032447.5(FBN3):c.8126C>T (p.Thr2709Ile)

Gene: FBN3 (fibrillin 3; minus strand). Cytogenetic location: 19p13.2.
Variant type: single nucleotide variant.
Coding change: c.8126C>T on transcript NM_032447.5 (MANE Select); coding-DNA position 8126, C replaced by T.
Protein change: p.Thr2709Ile; replaces threonine 2709 with isoleucine.
Molecular consequence: missense variant.
Genome position (GRCh38, 1-based): chr19:8,066,223, G>A on the plus strand (C>T on the coding strand, the complement: FBN3 is on the minus strand). VCF-style: chr19-8066223-G-A. GRCh37 (hg19) VCF-style: chr19-8131107-G-A.
Other names: c.8126C>T, p.Thr2709Ile (NM_001321431.2); short protein forms T2709I.
Identifiers: ClinVar variation 2099842 (VCV002099842.4), dbSNP rs1373544968, ClinGen allele CA403693540.

ClinVar aggregate classification (germline): Uncertain significance (1 of 4 stars; one submission).

Allele frequency attached by ClinVar (database versions not stated): TOPMed below 0.00001.

Submission:

Labcorp Genetics (formerly Invitae), Labcorp
Classification: Uncertain significance. Last evaluated: 2022-02-20. Review status: criteria provided, single submitter. Criteria: Invitae Variant Classification Sherloc (09022015). Collection method: clinical testing. Allele origin: germline.
Comment: This variant has not been reported in the literature in individuals affected with FBN3-related conditions. Algorithms developed to predict the effect of missense changes on protein structure and function are either unavailable or do not agree on the potential impact of this missense change (SIFT: "Not Available"; PolyPhen-2: "Benign"; Align-GVGD: "Not Available"). In summary, the available evidence is currently insufficient to determine the role of this variant in disease. Therefore, it has been classified as a Variant of Uncertain Significance. This variant is not present in population databases (gnomAD no frequency). This sequence change replaces threonine, which is neutral and polar, with isoleucine, which is neutral and non-polar, at codon 2709 of the FBN3 protein (p.Thr2709Ile).